The following is an entry in ClinVar:

ClinVar aggregate classification (germline): Uncertain significance (1 of 4 stars; one submission).

Conditions:
Glycogen storage disease, type IV (GSD4). Also called: AMYLOPECTINOSIS; ANDERSEN DISEASE; BRANCHER DEFICIENCY; CIRRHOSIS, FAMILIAL, WITH DEPOSITION OF ABNORMAL GLYCOGEN; Glycogen storage disease due to glycogen branching enzyme deficiency; GBE1 DEFICIENCY. Identifiers: Orphanet 367, MedGen C0017923, MONDO:0009292, OMIM 232500.
Glycogen storage disease IV, classic hepatic. Also called: GSD IV, CLASSIC HEPATIC. Identifiers: MedGen C1856301.

Submission:

Labcorp Genetics (formerly Invitae), Labcorp
Classification: Uncertain significance for Glycogen storage disease, type IV; Glycogen storage disease IV, classic hepatic. Last evaluated: 2022-06-09. Review status: criteria provided, single submitter. Criteria: Invitae Variant Classification Sherloc (09022015). Collection method: clinical testing. Allele origin: germline.
Comment: This variant results in a copy number gain of the genomic region encompassing exon(s) 1-7 of the GBE1 gene. This region includes the initiator codon of the gene. This copy number gain extends beyond the assayed region for this gene and therefore may encompass additional genes. As the precise location of this event is unknown, it may be in tandem or it may be located elsewhere in the genome. This variant has not been reported in the literature in individuals affected with GBE1-related conditions. Experimental studies and prediction algorithms are not available or were not evaluated, and the functional significance of this variant is currently unknown. In summary, the available evidence is currently insufficient to determine the role of this variant in disease. Therefore, it has been classified as a Variant of Uncertain Significance.

NC_000003.11:g.(?_81691912)_(81810668_?)dup

Gene: GBE1 (1,4-alpha-glucan branching enzyme 1; minus strand). Cytogenetic location: 3p12.2.
Variant type: Duplication.
Identifiers: ClinVar variation 2422494 (VCV002422494.3).